The following is an entry in ClinVar:

ClinVar aggregate classification (germline): Uncertain significance (1 of 4 stars; one submission).

Conditions:
Neuropathy, hereditary sensory and autonomic, type 2A (HSAN2A). Also called: HSAN IIA; ACROOSTEOLYSIS, GIACCAI TYPE; ACROOSTEOLYSIS, NEUROGENIC; MORVAN DISEASE; NEUROPATHY, CONGENITAL SENSORY; NEUROPATHY, HEREDITARY SENSORY RADICULAR, AUTOSOMAL RECESSIVE. Identifiers: Orphanet 970, MedGen C2752089, MONDO:0024309, OMIM 201300.
Generalized epilepsy with febrile seizures plus, type 7 (GEFSP7). Also called: GEFS+, TYPE 7. Identifiers: Orphanet 36387, MedGen C2751778, MONDO:0013470, OMIM 613863.

Submission:

Labcorp Genetics (formerly Invitae), Labcorp
Classification: Uncertain significance for Neuropathy, hereditary sensory and autonomic, type 2A; Generalized epilepsy with febrile seizures plus, type 7. Last evaluated: 2024-02-23. Review status: criteria provided, single submitter. Criteria: Invitae Variant Classification Sherloc (09022015). Collection method: clinical testing. Allele origin: germline.
Comment: This sequence change replaces asparagine, which is neutral and polar, with lysine, which is basic and polar, at codon 1121 of the SCN9A protein (p.Asn1121Lys). This variant is not present in population databases (gnomAD no frequency). This variant has not been reported in the literature in individuals affected with SCN9A-related conditions. Advanced modeling of protein sequence and biophysical properties (such as structural, functional, and spatial information, amino acid conservation, physicochemical variation, residue mobility, and thermodynamic stability) performed at Invitae indicates that this missense variant is not expected to disrupt SCN9A protein function with a negative predictive value of 95%. In summary, the available evidence is currently insufficient to determine the role of this variant in disease. Therefore, it has been classified as a Variant of Uncertain Significance.

NM_001365536.1(SCN9A):c.3396C>G (p.Asn1132Lys)

Genes: SCN9A (sodium voltage-gated channel alpha subunit 9; minus strand), SCN1A-AS1 (SCN1A and SCN9A antisense RNA 1; plus strand). Cytogenetic location: 2q24.3.
Variant type: single nucleotide variant.
Coding change: c.3396C>G on transcript NM_001365536.1 (MANE Select); coding-DNA position 3396, C replaced by G.
Protein change: p.Asn1132Lys; replaces asparagine 1132 with lysine.
Molecular consequence: missense variant. On other transcripts: non-coding transcript variant (1).
Genome position (GRCh38, 1-based): chr2:166,251,841, G>C on the plus strand (C>G on the coding strand, the complement: SCN9A is on the minus strand). VCF-style: chr2-166251841-G-C. GRCh37 (hg19) VCF-style: chr2-167108351-G-C.
Other names: c.3363C>G, p.Asn1121Lys (NM_002977.4); short protein forms N1121K, N1132K.
Identifiers: ClinVar variation 3760842 (VCV003760842.2).